The following is an entry in ClinVar:

NM_001370466.1(NOD2):c.1331G>T (p.Arg444Leu)

Gene: NOD2 (nucleotide binding oligomerization domain containing 2; plus strand). Cytogenetic location: 16q12.1.
Variant type: single nucleotide variant.
Coding change: c.1331G>T on transcript NM_001370466.1 (MANE Select); coding-DNA position 1331, G replaced by T.
Protein change: p.Arg444Leu; replaces arginine 444 with leucine.
Molecular consequence: missense variant. On other transcripts: non-coding transcript variant (1).
Genome position (GRCh38, 1-based): chr16:50,711,323, G>T. VCF-style: chr16-50711323-G-T. GRCh37 (hg19) VCF-style: chr16-50745234-G-T.
Other names: c.1331G>T, p.Arg444Leu (NM_001293557.2); c.1412G>T, p.Arg471Leu (NM_022162.3); short protein forms R471L, R444L.
Identifiers: ClinVar variation 1038643 (VCV001038643.9), dbSNP rs764414933, ClinGen allele CA395868870.
Genomic context (GRCh38, chr16:50,711,323, plus strand): 5'-GCATCGAGCTGTACCTGAGGAAGCGCCATCATGAGCCCGGGGTGGCGGACCGCCTCATCC[G>T]CCTGCTCCAAGAGACCTCAGCCCTGCACGGTTTGTGCCACCTGCCTGTCTTCTCATGGAT-3'
Protein context (NP_001357395.1, residues 434-454): HEPGVADRLI[Arg444Leu]LLQETSALHG

ClinVar aggregate classification (germline): Uncertain significance (1 of 4 stars; one submission).

Conditions:
Regional enteritis. Also called: Enteritis, Granulomatous. Identifiers: MedGen C0678202, MeSH D003424.
Blau syndrome (BLAUS). Also called: GRANULOMATOSIS, FAMILIAL JUVENILE SYSTEMIC; GRANULOMATOSIS, FAMILIAL, BLAU TYPE; GRANULOMATOUS INFLAMMATORY ARTHRITIS, DERMATITIS, AND UVEITIS, FAMILIAL; JABS SYNDROME; ARTHROCUTANEOUVEAL GRANULOMATOSIS. Identifiers: Orphanet 90340, MedGen C5201146, MONDO:0008523, OMIM 186580.

Submission:

Labcorp Genetics (formerly Invitae), Labcorp
Classification: Uncertain significance for Regional enteritis; Blau syndrome. Last evaluated: 2018-04-17. Review status: criteria provided, single submitter. Criteria: Invitae Variant Classification Sherloc (09022015). Collection method: clinical testing. Allele origin: germline.
Comment: Algorithms developed to predict the effect of missense changes on protein structure and function (SIFT, PolyPhen-2, Align-GVGD) all suggest that this variant is likely to be tolerated, but these predictions have not been confirmed by published functional studies and their clinical significance is uncertain. In summary, the available evidence is currently insufficient to determine the role of this variant in disease. Therefore, it has been classified as a Variant of Uncertain Significance. This variant has not been reported in the literature in individuals with NOD2-related disease. This variant is not present in population databases (ExAC no frequency). This sequence change replaces arginine with leucine at codon 471 of the NOD2 protein (p.Arg471Leu). The arginine residue is weakly conserved and there is a moderate physicochemical difference between arginine and leucine.